The following is an entry in ClinVar:

NM_152515.5(CKAP2L):c.2013-7C>A

Genes: NT5DC4 (5'-nucleotidase domain containing 4; plus strand), CKAP2L (cytoskeleton associated protein 2 like; minus strand). Cytogenetic location: 2q14.1.
Variant type: single nucleotide variant.
Coding change: c.2013-7C>A on transcript NM_152515.5 (MANE Select); 7 bases into the intron before coding-DNA position 2013, C replaced by A.
Molecular consequence: intron variant. On other transcripts: 3 prime UTR variant (1).
Genome position (GRCh38, 1-based): chr2:112,739,055, G>T on the plus strand (C>A on the coding strand, the complement: CKAP2L is on the minus strand). VCF-style: chr2-112739055-G-T. GRCh37 (hg19) VCF-style: chr2-113496632-G-T.
Other names: c.*119G>T (NM_001393655.1); c.1249-3357G>T (NM_001350494.2); c.1518-7C>A (NM_001304361.2).
Identifiers: ClinVar variation 2883006 (VCV002883006.6), dbSNP rs142117171, ClinGen allele CA1836483.

ClinVar aggregate classification (germline): Benign. Review status: criteria provided, single submitter (1 of 4 stars). 2 submissions from 2 submitters: Benign (1). 1 of the submissions does not count toward it. Last evaluated 2023-12-07.

Conditions:
CKAP2L-related disorder. Also called: CKAP2L-related condition.

Allele frequency attached by ClinVar (database versions not stated): gnomAD 0.00011; TOPMed 0.00015; 1000 Genomes Project 30x 0.00062; 1000 Genomes Project 0.00080.
gnomAD v4.1: 173 of 1,599,934 alleles (0.011%); highest among the groups gnomAD compares: East Asian, 0.17%; 1 homozygote.

Submissions (4):

Labcorp Genetics (formerly Invitae), Labcorp
Classification: Benign. Last evaluated: 2023-12-07. Review status: criteria provided, single submitter. Criteria: Invitae Variant Classification Sherloc (09022015). Collection method: clinical testing. Allele origin: germline.

PreventionGenetics, part of Exact Sciences
Classification: Likely benign for CKAP2L-related condition. Last evaluated: 2019-06-17. Review status: no assertion criteria provided. Collection method: clinical testing. Allele origin: germline. Not counted in ClinVar's aggregate classification.
Comment: This variant is classified as likely benign based on ACMG/AMP sequence variant interpretation guidelines (Richards et al. 2015 PMID: 25741868, with internal and published modifications).

Dr. Peter K. Rogan Lab, Western University
No classification provided (evidence only). Condition: Familial cancer of breast. Review status: no classification provided. Collection method: in vitro. Allele origin: not applicable. Functional consequence: retained intron. Not counted in ClinVar's aggregate classification.

Dr. Peter K. Rogan Lab, Western University
No classification provided (evidence only). Condition: Hepatocellular carcinoma. Review status: no classification provided. Collection method: in vitro. Allele origin: not applicable. Functional consequence: retained intron. Not counted in ClinVar's aggregate classification.